The following is an entry in ClinVar:

ClinVar aggregate classification (germline): Uncertain significance (1 of 4 stars; one submission).

gnomAD v4.1: 4 of 1,614,182 alleles (0.00025%); highest among the groups gnomAD compares: Non-Finnish European, 0.00034%; no homozygotes.

Submission:

GeneDx
Classification: Uncertain significance. Last evaluated: 2024-07-23. Review status: criteria provided, single submitter. Criteria: GeneDx Variant Classification Process June 2021. Collection method: clinical testing. Allele origin: germline. Affected: yes.
Comment: Not observed at significant frequency in large population cohorts (gnomAD); In silico analysis indicates that this missense variant does not alter protein structure/function; Has not been previously published as pathogenic or benign to our knowledge

NM_007118.4(TRIO):c.7825T>C (p.Phe2609Leu)

Gene: TRIO (trio Rho guanine nucleotide exchange factor; plus strand). Cytogenetic location: 5p15.2.
Variant type: single nucleotide variant.
Coding change: c.7825T>C on transcript NM_007118.4 (MANE Select); coding-DNA position 7825, T replaced by C.
Protein change: p.Phe2609Leu; replaces phenylalanine 2609 with leucine.
Molecular consequence: missense variant. On other transcripts: non-coding transcript variant (1).
Genome position (GRCh38, 1-based): chr5:14,492,759, T>C. VCF-style: chr5-14492759-T-C. GRCh37 (hg19) VCF-style: chr5-14492868-T-C.
Other names: short protein forms F2609L.
Identifiers: ClinVar variation 3600652 (VCV003600652.1).